The following is an entry in ClinVar:

NC_000008.10:g.(6264211_6266799)_(6357451_6478974)del

Genes: ANGPT2 (angiopoietin 2; minus strand), MCPH1 (microcephalin 1; plus strand). Cytogenetic location: 8p23.1.
Variant type: Deletion.
Identifiers: ClinVar variation 4688532 (VCV004688532.1).

ClinVar aggregate classification (germline): Pathogenic (1 of 4 stars; one submission).

Conditions:
Autosomal recessive primary microcephaly. Identifiers: Orphanet 2512, MedGen C3711387, MONDO:0016660.

Submission:

Women's Health and Genetics/Laboratory Corporation of America, LabCorp
Classification: Pathogenic for Autosomal recessive primary microcephaly. Last evaluated: 2025-12-05. Review status: criteria provided, single submitter. Criteria: LabCorp Variant Classification Summary - May 2015. Collection method: clinical testing. Allele origin: germline.
Comment: Variant summary: The variant involves the deletion of exons 2-12 in the MCPH1 gene. This Copy Number Variant (CNV) is expected to alter the reading frame and predicted to result in a truncation or absence of the encoded protein due to nonsense mediated decay (NMD). Loss-of-function variants in this gene are known to be pathogenic. A presumed nomenclature of c.(22+1_23-1)_(2214+1_2215-1)del has been designated for the purposes of this classification. The variant was absent in 21694 control chromosomes. To our knowledge, no occurrence of c.(22+1_23-1)_(2214+1_2215-1)del in individuals affected with MCPH1-related conditions and no experimental evidence demonstrating its impact on protein function have been reported. No submitters have cited clinical-significance assessments for this variant to ClinVar. Based on the evidence outlined above, the variant was classified as pathogenic.